The following is an entry in ClinVar:

ClinVar aggregate classification (germline): Benign. Review status: criteria provided, multiple submitters, no conflicts (2 of 4 stars). 2 submissions from 2 submitters: Benign (2). Last evaluated 2018-06-18.

Allele frequency attached by ClinVar (database versions not stated): gnomAD exomes 0.13986; gnomAD 0.23757 and 0.23972; TOPMed 0.25277; 1000 Genomes Project 0.28514; 1000 Genomes Project 30x 0.29107.
gnomAD v4.1: 191,139 of 1,255,528 alleles (15%); highest among the groups gnomAD compares: African/African-American, 47%; 19,785 homozygotes.

Submissions (2):

GeneDx
Classification: Benign. Last evaluated: 2018-06-18. Review status: criteria provided, single submitter. Criteria: GeneDx Variant Classification (06012015). Collection method: clinical testing. Allele origin: germline. Affected: yes.
Comment: This variant is considered likely benign or benign based on one or more of the following criteria: it is a conservative change, it occurs at a poorly conserved position in the protein, it is predicted to be benign by multiple in silico algorithms, and/or has population frequency not consistent with disease.

Breakthrough Genomics
Classification: Benign. Review status: criteria provided, single submitter. Criteria: ACMG Guidelines, 2015. Collection method: not provided. Allele origin: germline. Inheritance: Autosomal recessive inheritance. Affected: yes.

NM_000100.4(CSTB):c.66+89T>C

Genes: CSTB (cystatin B; minus strand), LOC130066788 (ATAC-STARR-seq lymphoblastoid silent region 13368; plus strand). Cytogenetic location: 21q22.3.
Variant type: single nucleotide variant.
Coding change: c.66+89T>C on transcript NM_000100.4 (MANE Select); 89 bases into the intron after coding-DNA position 66, T replaced by C.
Molecular consequence: intron variant.
Genome position (GRCh38, 1-based): chr21:43,776,115, A>G on the plus strand (T>C on the coding strand, the complement: CSTB is on the minus strand). VCF-style: chr21-43776115-A-G. GRCh37 (hg19) VCF-style: chr21-45195996-A-G.
Identifiers: ClinVar variation 670906 (VCV000670906.2), dbSNP rs6369, ClinGen allele CA14898668.